The following is an entry in ClinVar:

ClinVar aggregate classification (germline): Benign/Likely benign. Review status: criteria provided, multiple submitters, no conflicts (2 of 4 stars). 3 submissions from 3 submitters: Benign (1); Likely benign (2). Last evaluated 2026-06-16.

Conditions:
Polyps, multiple and recurrent inflammatory fibroid, gastrointestinal. Identifiers: MedGen C5193005, MONDO:0008285, OMIM 175510.
Hereditary cancer-predisposing syndrome. Also called: Hereditary neoplastic syndrome; Neoplastic Syndromes, Hereditary; Hereditary Cancer Syndrome; Tumor predisposition. Identifiers: Orphanet 140162, MedGen C0027672, MeSH D009386, MONDO:0015356.
Gastrointestinal stromal tumor. Also called: Gastrointestinal stromal tumor, somatic; Gastrointestinal stroma tumor. Identifiers: Orphanet 44890, MedGen C0238198, MeSH D046152, MONDO:0011719, OMIM 606764, HP:0100723.

Allele frequency attached by ClinVar (database versions not stated): ExAC 0.00001; gnomAD 0.00001; gnomAD exomes 0.00001 and 0.00003; TOPMed 0.00001; 1000 Genomes Project 30x 0.00016; 1000 Genomes Project 0.00020.
gnomAD v4.1: 14 of 1,614,160 alleles (0.00087%); highest among the groups gnomAD compares: Admixed American, 0.012%; no homozygotes.

Submissions (3):

Myriad Genetics, Inc.
Classification: Benign for Polyps, multiple and recurrent inflammatory fibroid, gastrointestinal. Last evaluated: 2026-06-16. Review status: criteria provided, single submitter. Criteria: Myriad Autosomal Dominant, Autosomal Recessive and X-Linked Classification Criteria (2023). Collection method: clinical testing. Allele origin: unknown.
Comment: This variant is considered benign. This variant is a silent/synonymous amino acid change and it is not expected to impact splicing.

Labcorp Genetics (formerly Invitae), Labcorp
Classification: Likely benign for Gastrointestinal stromal tumor. Last evaluated: 2025-12-27. Review status: criteria provided, single submitter. Criteria: Invitae Variant Classification Sherloc (09022015). Collection method: clinical testing. Allele origin: germline.

Ambry Genetics
Classification: Likely benign for Hereditary cancer-predisposing syndrome. Last evaluated: 2023-01-17. Review status: criteria provided, single submitter. Criteria: Ambry Variant Classification Scheme 2023. Collection method: clinical testing. Allele origin: germline.

NM_006206.6(PDGFRA):c.783G>A (p.Leu261=)

Gene: PDGFRA (platelet derived growth factor receptor alpha; plus strand). Cytogenetic location: 4q12.
Variant type: single nucleotide variant.
Coding change: c.783G>A on transcript NM_006206.6 (MANE Select); coding-DNA position 783, G replaced by A.
Protein change: p.Leu261=; no amino-acid change (leucine 261 retained).
Molecular consequence: synonymous variant.
Genome position (GRCh38, 1-based): chr4:54,267,312, G>A. VCF-style: chr4-54267312-G-A. GRCh37 (hg19) VCF-style: chr4-55133479-G-A.
Other names: c.783G>A, p.Leu261= (NM_001347827.2, NM_001347829.2); c.858G>A, p.Leu286= (NM_001347828.2); c.822G>A, p.Leu274= (NM_001347830.2).
Identifiers: ClinVar variation 528704 (VCV000528704.15), dbSNP rs553465147, ClinGen allele CA2922387.